The following is an entry in ClinVar:

ClinVar aggregate classification (germline): Uncertain significance. Review status: criteria provided, multiple submitters, no conflicts (2 of 4 stars). 2 submissions from 2 submitters: Uncertain significance (2). Last evaluated 2026-01-24.

Conditions:
Inborn genetic diseases. Identifiers: MedGen C0950123, MeSH D030342.
Glutamate formiminotransferase deficiency. Also called: Arakawa syndrome 1; Formiminoglutamic aciduria. Identifiers: Orphanet 51208, MedGen C0268609, MONDO:0009240, OMIM 229100.

Allele frequency attached by ClinVar (database versions not stated): ExAC 0.00002; gnomAD 0.00005; TOPMed 0.00005; ESP Exome Variant Server 0.00008; gnomAD exomes 0.00008.
gnomAD v4.1: 129 of 1,612,898 alleles (0.008%); highest among the groups gnomAD compares: Non-Finnish European, 0.01%; no homozygotes.

Submissions (2):

Labcorp Genetics (formerly Invitae), Labcorp
Classification: Uncertain significance for Glutamate formiminotransferase deficiency. Last evaluated: 2026-01-24. Review status: criteria provided, single submitter. Criteria: Invitae Variant Classification Sherloc (09022015). Collection method: clinical testing. Allele origin: germline.
Comment: This sequence change replaces isoleucine, which is neutral and non-polar, with valine, which is neutral and non-polar, at codon 199 of the FTCD protein (p.Ile199Val). This variant is present in population databases (rs371382199, gnomAD 0.007%). This variant has not been reported in the literature in individuals affected with FTCD-related conditions. ClinVar contains an entry for this variant (Variation ID: 2534017). Invitae Evidence Modeling of protein sequence and biophysical properties (such as structural, functional, and spatial information, amino acid conservation, physicochemical variation, residue mobility, and thermodynamic stability) indicates that this missense variant is not expected to disrupt FTCD protein function with a negative predictive value of 80%. In summary, the available evidence is currently insufficient to determine the role of this variant in disease. Therefore, it has been classified as a Variant of Uncertain Significance.

Ambry Genetics
Classification: Uncertain significance for Inborn genetic diseases. Last evaluated: 2023-04-07. Review status: criteria provided, single submitter. Criteria: Ambry Variant Classification Scheme 2023. Collection method: clinical testing. Allele origin: germline.

NM_206965.2(FTCD):c.595A>G (p.Ile199Val)

Gene: FTCD (formimidoyltransferase cyclodeaminase; minus strand). Cytogenetic location: 21q22.3.
Variant type: single nucleotide variant.
Coding change: c.595A>G on transcript NM_206965.2 (MANE Select); coding-DNA position 595, A replaced by G.
Protein change: p.Ile199Val; replaces isoleucine 199 with valine.
Molecular consequence: missense variant.
Genome position (GRCh38, 1-based): chr21:46,151,599, T>C on the plus strand (A>G on the coding strand, the complement: FTCD is on the minus strand). VCF-style: chr21-46151599-T-C. GRCh37 (hg19) VCF-style: chr21-47571513-T-C.
Other names: c.595A>G, p.Ile199Val (NM_001320412.2, NM_006657.3); short protein forms I199V.
Identifiers: ClinVar variation 2534017 (VCV002534017.3), dbSNP rs371382199, ClinGen allele CA10073819.